The following is an entry in ClinVar:

NM_001399.5(EDA):c.764G>A (p.Gly255Asp)

Gene: EDA (ectodysplasin A; plus strand). Cytogenetic location: Xq13.1.
Variant type: single nucleotide variant.
Coding change: c.764G>A on transcript NM_001399.5 (MANE Select); coding-DNA position 764, G replaced by A.
Protein change: p.Gly255Asp; replaces glycine 255 with aspartic acid.
Molecular consequence: missense variant.
Genome position (GRCh38, 1-based): chrX:70,030,491, G>A. VCF-style: chrX-70030491-G-A. GRCh37 (hg19) VCF-style: chrX-69250341-G-A.
Other names: c.764G>A, p.Gly255Asp (NM_001005609.2, NM_001005612.3); short protein forms G255D.
Identifiers: ClinVar variation 418171 (VCV000418171.7), dbSNP rs1064793105, ClinGen allele CA16621473.

ClinVar aggregate classification (germline): Likely pathogenic. Review status: criteria provided, multiple submitters, no conflicts (2 of 4 stars). 3 submissions from 3 submitters: Likely pathogenic (3). Last evaluated 2025-01-29.

Conditions:
Hypohidrotic X-linked ectodermal dysplasia (XHED). Also called: Christ-Siemans-Touraine syndrome; ECTODERMAL DYSPLASIA 1; ECTODERMAL DYSPLASIA, HYPOHIDROTIC, 1; CST SYNDROME; Ectodermal Dysplasia 1, Anhidrotic; Anhidrotic ectodermal dysplasia X-linked. Identifiers: Orphanet 181, Orphanet 238468, MedGen C0162359, MONDO:0010585, OMIM 305100.

Submissions (3):

Natera, Inc.
Classification: Likely pathogenic for Christ-Siemens-Touraine syndrome. Last evaluated: 2025-01-29. Review status: criteria provided, single submitter. Criteria: Natera Variant Classification Schema (03/2026). Collection method: clinical testing. Allele origin: germline.
Comment: The c.764G>A variant in EDA is a missense variant predicted to cause substitution of glycine to aspartic acid at amino acid 255. This variant is rare in the general population with a frequency below the threshold expected for the associated phenotype(s). This variant has been observed in one or more individuals affected with the associated recessive disease, as either homozygous or compound heterozygous with a second variant (PMID: 11295832). This variant has been observed to segregate in affected family members (PMID: 11295832). Computational prediction algorithms indicate this variant is likely to affect gene or protein function. Given the available evidence, this variant is classified as Likely Pathogenic.

Labcorp Genetics (formerly Invitae), Labcorp
Classification: Likely pathogenic for Hypohidrotic X-linked ectodermal dysplasia. Last evaluated: 2023-08-10. Review status: criteria provided, single submitter. Criteria: Invitae Variant Classification Sherloc (09022015). Collection method: clinical testing. Allele origin: germline.
Comment: In summary, the currently available evidence indicates that the variant is pathogenic, but additional data are needed to prove that conclusively. Therefore, this variant has been classified as Likely Pathogenic. This sequence change replaces glycine, which is neutral and non-polar, with aspartic acid, which is acidic and polar, at codon 255 of the EDA protein (p.Gly255Asp). This variant is not present in population databases (gnomAD no frequency). This missense change has been observed in individuals with clinical features of ectodermal dysplasia (PMID: 11295832; Invitae). ClinVar contains an entry for this variant (Variation ID: 418171). Advanced modeling of protein sequence and biophysical properties (such as structural, functional, and spatial information, amino acid conservation, physicochemical variation, residue mobility, and thermodynamic stability) performed at Invitae indicates that this missense variant is expected to disrupt EDA protein function. Algorithms developed to predict the effect of sequence changes on RNA splicing suggest that this variant may create or strengthen a splice site. This variant disrupts the p.Gly255 amino acid residue in EDA. Other variant(s) that disrupt this residue have been observed in individuals with EDA-related conditions (PMID: 11295832), which suggests that this may be a clinically significant amino acid residue.

GeneDx
Classification: Likely pathogenic. Last evaluated: 2016-06-09. Review status: criteria provided, single submitter. Criteria: GeneDx Variant Classification (06012015). Collection method: clinical testing. Allele origin: germline. Affected: yes.
Comment: The G255D variant in the EDA1 gene has been published previously in association with X-linked hypohydrotic ectodermal dysplasia (HED) (Paakkonen et al., 2011; Cluzeau et al., 2001; Huang et al., 2015). It was not observed in approximately 6,500 individuals of European and African American ancestry in the NHLBI Exome Sequencing Project, indicating it is not a common benign variant in these populations. G255D is a non-conservative amino acid substitution, which is likely to impact secondary protein structure as these residues differ in polarity, charge, size and/or other properties. This substitution occurs at a position that is conserved across species and is located within the TNF homology domain, a known hotspot for the EDA1 gene where variation impacts protein folding and receptor binding. In silico analysis predicts this variant is probably damaging to the protein structure/function. Missense variants at the same residue (G255C) and in nearby residues (L253P, H252L/Y, G257R, A259E and I260S have been reported in the Human Gene Mutation Database in association with EDA1-related disorders (Stenson et al., 2014), supporting the functional importance of this region of the protein. Additionally, the EDA1 gene has a low rate of benign missense variation with missense variants being a common mechanism of disease. Therefore, this variant is likely pathogenic; however, the possibility that it is benign cannot be excluded.

Literature cited by the submitters: PubMed 11295832 (cited by Natera, Inc. and Labcorp Genetics (formerly Invitae), Labcorp).